The following is an entry in ClinVar:

ClinVar aggregate classification (germline): Uncertain significance (1 of 4 stars; one submission).

Allele frequency attached by ClinVar (database versions not stated): gnomAD exomes below 0.00001.
gnomAD v4.1: 2 of 1,614,126 alleles (0.00012%); highest among the groups gnomAD compares: East Asian, 0.0045%; no homozygotes.

Submission:

Labcorp Genetics (formerly Invitae), Labcorp
Classification: Uncertain significance. Last evaluated: 2021-09-24. Review status: criteria provided, single submitter. Criteria: Invitae Variant Classification Sherloc (09022015). Collection method: clinical testing. Allele origin: germline.
Comment: This sequence change replaces isoleucine with valine at codon 496 of the USH1C protein (p.Ile496Val). The isoleucine residue is moderately conserved and there is a small physicochemical difference between isoleucine and valine. This variant is not present in population databases (ExAC no frequency). This variant has not been reported in the literature in individuals with USH1C-related conditions. Algorithms developed to predict the effect of missense changes on protein structure and function output the following: SIFT: "Tolerated"; PolyPhen-2: "Benign"; Align-GVGD: "Class C0". The valine amino acid residue is found in multiple mammalian species, suggesting that this missense change does not adversely affect protein function. These predictions have not been confirmed by published functional studies and their clinical significance is uncertain. In summary, the available evidence is currently insufficient to determine the role of this variant in disease. Therefore, it has been classified as a Variant of Uncertain Significance.

NM_153676.4(USH1C):c.2386A>G (p.Ile796Val)

Gene: USH1C (USH1 protein network component harmonin; minus strand). Cytogenetic location: 11p15.1.
Variant type: single nucleotide variant.
Coding change: c.2386A>G on transcript NM_153676.4 (MANE Select); coding-DNA position 2386, A replaced by G.
Protein change: p.Ile796Val; replaces isoleucine 796 with valine.
Molecular consequence: missense variant. On other transcripts: non-coding transcript variant (1).
Genome position (GRCh38, 1-based): chr11:17,498,266, T>C on the plus strand (A>G on the coding strand, the complement: USH1C is on the minus strand). VCF-style: chr11-17498266-T-C. GRCh37 (hg19) VCF-style: chr11-17519813-T-C.
Other names: c.1429A>G, p.Ile477Val (NM_001297764.2); c.1486A>G, p.Ile496Val (NM_005709.4); short protein forms I796V, I477V, I496V.
Identifiers: ClinVar variation 1475339 (VCV001475339.5), dbSNP rs953438071, ClinGen allele CA218483326.